The following is an entry in ClinVar:

NM_001134407.3(GRIN2A):c.11T>C (p.Val4Ala)

Gene: GRIN2A (glutamate ionotropic receptor NMDA type subunit 2A; minus strand). Cytogenetic location: 16p13.2.
Variant type: single nucleotide variant.
Coding change: c.11T>C on transcript NM_001134407.3 (MANE Select); coding-DNA position 11, T replaced by C.
Protein change: p.Val4Ala; replaces valine 4 with alanine.
Molecular consequence: missense variant.
Genome position (GRCh38, 1-based): chr16:10,180,401, A>G on the plus strand (T>C on the coding strand, the complement: GRIN2A is on the minus strand). VCF-style: chr16-10180401-A-G. GRCh37 (hg19) VCF-style: chr16-10274258-A-G.
Other names: c.11T>C, p.Val4Ala (NM_000833.5, NM_001134408.2); short protein forms V4A.
Identifiers: ClinVar variation 642489 (VCV000642489.9), dbSNP rs1596587600, ClinGen allele CA394715900.

ClinVar aggregate classification (germline): Uncertain significance (1 of 4 stars; one submission).

Conditions:
Landau-Kleffner syndrome (FESD). Also called: EPILEPSY, FOCAL, WITH SPEECH DISORDER AND WITH OR WITHOUT MENTAL RETARDATION; APHASIA, ACQUIRED, WITH EPILEPSY. Identifiers: Orphanet 1945, Orphanet 725, Orphanet 98818, MedGen C0282512, MONDO:0009509, OMIM 245570.

Submission:

Labcorp Genetics (formerly Invitae), Labcorp
Classification: Uncertain significance for Landau-Kleffner syndrome. Last evaluated: 2018-09-20. Review status: criteria provided, single submitter. Criteria: Invitae Variant Classification Sherloc (09022015). Collection method: clinical testing. Allele origin: germline.
Comment: In summary, the available evidence is currently insufficient to determine the role of this variant in disease. Therefore, it has been classified as a Variant of Uncertain Significance. Algorithms developed to predict the effect of missense changes on protein structure and function (SIFT, PolyPhen-2, Align-GVGD) all suggest that this variant is likely to be tolerated, but these predictions have not been confirmed by published functional studies and their clinical significance is uncertain. This variant has not been reported in the literature in individuals with GRIN2A-related disease. This variant is not present in population databases (ExAC no frequency). This sequence change replaces valine with alanine at codon 4 of the GRIN2A protein (p.Val4Ala). The valine residue is weakly conserved and there is a small physicochemical difference between valine and alanine.